The following is an entry in ClinVar:

ClinVar aggregate classification (germline): Likely pathogenic (1 of 4 stars; one submission).

Conditions:
Landau-Kleffner syndrome (FESD). Also called: EPILEPSY, FOCAL, WITH SPEECH DISORDER AND WITH OR WITHOUT MENTAL RETARDATION; APHASIA, ACQUIRED, WITH EPILEPSY. Identifiers: Orphanet 1945, Orphanet 725, Orphanet 98818, MedGen C0282512, MONDO:0009509, OMIM 245570.

Submission:

3billion
Classification: Likely pathogenic for Landau-Kleffner syndrome. Last evaluated: 2021-10-02. Review status: criteria provided, single submitter. Criteria: ACMG Guidelines, 2015. Collection method: clinical testing. Allele origin: germline. Affected: yes. Observed: 1 heterozygote.
Comment: Frameshift: predicted to result in a loss or disruption of normal protein function through nonsense-mediated decay (NMD) or protein truncation. Multiple pathogenic variants are reported downstream of the variant (PVS1_VS). It is not observed in the gnomAD v2.1.1 dataset (PM2). The variant was observed as assumed (i.e. paternity and maternity not confirmed) de novoo (3billion dataset, PM6).Therefore, this variant is classified as pathogenic according to the recommendation of ACMG/AMP guideline.

NM_001134407.3(GRIN2A):c.546dup (p.Phe183fs)

Gene: GRIN2A (glutamate ionotropic receptor NMDA type subunit 2A; minus strand). Cytogenetic location: 16p13.2.
Variant type: Duplication.
Coding change: c.546dup on transcript NM_001134407.3 (MANE Select); coding-DNA position 546, one base duplicated (A; older notation c.546dupA).
Protein change: p.Phe183fs; shifts the reading frame from phenylalanine 183.
Molecular consequence: frameshift variant.
Genome position (GRCh38, 1-based): chr16:9,938,420, T duplicated on the plus strand (A on the coding strand, the reverse complement: GRIN2A is on the minus strand); the first of 2 consecutive T bases (chr16:9,938,420-9,938,421); duplicating either gives the same sequence. VCF-style (leftmost placement, unchanged base first): chr16-9938419-A-AT. GRCh37 (hg19) VCF-style: chr16-10032276-A-AT.
Other names: c.546dup, p.Phe183fs (NM_000833.5, NM_001134408.2); short protein forms F183fs.
Identifiers: ClinVar variation 1320168 (VCV001320168.1), dbSNP rs2141632418, ClinGen allele CA2573054318.